The following is an entry in ClinVar:

NC_000014.8:g.(?_102931468)_(102931651_?)del

Gene: TECPR2 (tectonin beta-propeller repeat containing 2; plus strand). Cytogenetic location: 14q32.31.
Variant type: Deletion.
Identifiers: ClinVar variation 2425978 (VCV002425978.2).

ClinVar aggregate classification (germline): Pathogenic (1 of 4 stars; one submission).

Conditions:
Hereditary spastic paraplegia 49 (HSAN9). Also called: NEUROPATHY, HEREDITARY SENSORY AND AUTONOMIC, TYPE IX, WITH DEVELOPMENTAL DELAY; Spastic paraplegia 49, autosomal recessive; TECPR2-Related Hereditary Sensory and Autonomic Neuropathy with Intellectual Disability. Identifiers: Orphanet 320385, MedGen C5190860, MONDO:0014016, OMIM 615031.

Submission:

Labcorp Genetics (formerly Invitae), Labcorp
Classification: Pathogenic for Hereditary spastic paraplegia 49. Last evaluated: 2022-08-31. Review status: criteria provided, single submitter. Criteria: Invitae Variant Classification Sherloc (09022015). Collection method: clinical testing. Allele origin: germline.
Comment: This variant is a gross deletion of the genomic region encompassing exon(s) 17 of the TECPR2 gene. This deletion is out-of-frame, and is expected to create a premature termination codon and result in an absent or disrupted protein product. Loss-of-function variants in TECPR2 are known to be pathogenic (PMID: 23176824, 25590979). This variant has not been reported in the literature in individuals affected with TECPR2-related conditions. For these reasons, this variant has been classified as Pathogenic.

Literature cited by the submitters: PubMed 23176824; PubMed 25590979.